The following is an entry in ClinVar:

ClinVar aggregate classification (germline): Uncertain significance (1 of 4 stars; one submission).

Conditions:
Hereditary sensory and autonomic neuropathy type 6. Also called: Neuropathy, hereditary sensory and autonomic, type VI; HSAN VI. Identifiers: Orphanet 314381, MedGen C3539003, MONDO:0013839, OMIM 614653.
Epidermolysis bullosa simplex 3, localized or generalized intermediate, with BP230 deficiency (EBS3). Also called: Epidermolysis bullosa simplex due to BP230 deficiency; Epidermolysis bullosa simplex, autosomal recessive 2. Identifiers: Orphanet 412181, MedGen C3809470, MONDO:0014180, OMIM 615425.

Submission:

Labcorp Genetics (formerly Invitae), Labcorp
Classification: Uncertain significance for Epidermolysis bullosa simplex 3, localized or generalized intermediate, with BP230 deficiency; Hereditary sensory and autonomic neuropathy type 6. Last evaluated: 2022-09-07. Review status: criteria provided, single submitter. Criteria: Invitae Variant Classification Sherloc (09022015). Collection method: clinical testing. Allele origin: germline.
Comment: The DST gene has multiple clinically relevant transcripts. This variant occurs in alternate transcript NM_015548.4, and corresponds to NM_001723.5:c.*145567G>T in the primary transcript. This sequence change replaces arginine, which is basic and polar, with methionine, which is neutral and non-polar, at codon 4872 of the DST protein (p.Arg4872Met). This variant is not present in population databases (gnomAD no frequency). This variant has not been reported in the literature in individuals affected with DST-related conditions. Experimental studies and prediction algorithms are not available or were not evaluated, and the functional significance of this variant is currently unknown. In summary, the available evidence is currently insufficient to determine the role of this variant in disease. Therefore, it has been classified as a Variant of Uncertain Significance.

NM_001374736.1(DST):c.22484G>T (p.Arg7495Met)

Gene: DST (dystonin; minus strand). Cytogenetic location: 6p12.1.
Variant type: single nucleotide variant.
Coding change: c.22484G>T on transcript NM_001374736.1 (MANE Select); coding-DNA position 22484, G replaced by T.
Protein change: p.Arg7495Met; replaces arginine 7495 with methionine.
Molecular consequence: missense variant.
Genome position (GRCh38, 1-based): chr6:56,469,950, C>A on the plus strand (G>T on the coding strand, the complement: DST is on the minus strand). VCF-style: chr6-56469950-C-A. GRCh37 (hg19) VCF-style: chr6-56334748-C-A.
Other names: c.16127G>T, p.Arg5376Met (NM_001144769.5); c.15713G>T, p.Arg5238Met (NM_001144770.2); c.22484G>T, p.Arg7495Met (NM_001374722.1); c.21524G>T, p.Arg7175Met (NM_001374729.1); c.15266G>T, p.Arg5089Met (NM_001374730.1); c.22511G>T, p.Arg7504Met (NM_001374734.1); c.15593G>T, p.Arg5198Met (NM_001386100.1, NM_183380.4); c.14615G>T, p.Arg4872Met (NM_015548.5); short protein forms R5376M, R7175M, R7504M, R5089M, R5238M, R7495M, R4872M, R5198M.
Identifiers: ClinVar variation 1427372 (VCV001427372.6), dbSNP rs745914044, ClinGen allele CA364506783.